The following is an entry in ClinVar:

ClinVar aggregate classification (germline): Pathogenic (1 of 4 stars; one submission).

Submission:

Labcorp Genetics (formerly Invitae), Labcorp
Classification: Pathogenic. Last evaluated: 2022-11-14. Review status: criteria provided, single submitter. Criteria: Invitae Variant Classification Sherloc (09022015). Collection method: clinical testing. Allele origin: unknown.
Comment: For these reasons, this variant has been classified as Pathogenic. This variant has not been reported in the literature in individuals affected with TAB2-related conditions. This variant is a gross deletion of the genomic region encompassing exon(s) 4-5 of the TAB2 gene, which includes the initiator codon. This deletion extends beyond the assayed region for this gene and therefore may encompass additional genes. It is expected to result in an absent or disrupted protein product. Loss-of-function variants in TAB2 are known to be pathogenic (PMID: 28386937, 31250519).

Literature cited by the submitters: PubMed 28386937; PubMed 31250519.

NC_000006.11:g.(?_149691134)_(149700674_?)del

Gene: TAB2 (TGF-beta activated kinase 1 (MAP3K7) binding protein 2; plus strand). Cytogenetic location: 6q25.1.
Variant type: Deletion.
Identifiers: ClinVar variation 3246224 (VCV003246224.1).